The following is an entry in ClinVar:

NM_001065.4(TNFRSF1A):c.1025A>G (p.Glu342Gly)

Gene: TNFRSF1A (TNF receptor superfamily member 1A; minus strand). Cytogenetic location: 12p13.31.
Variant type: single nucleotide variant.
Coding change: c.1025A>G on transcript NM_001065.4 (MANE Select); coding-DNA position 1025, A replaced by G.
Protein change: p.Glu342Gly; replaces glutamic acid 342 with glycine.
Molecular consequence: missense variant. On other transcripts: non-coding transcript variant (1).
Genome position (GRCh38, 1-based): chr12:6,329,810, T>C on the plus strand (A>G on the coding strand, the complement: TNFRSF1A is on the minus strand). VCF-style: chr12-6329810-T-C. GRCh37 (hg19) VCF-style: chr12-6438976-T-C.
Other names: c.701A>G, p.Glu234Gly (NM_001346091.2); c.566A>G, p.Glu189Gly (NM_001346092.2); short protein forms E234G, E342G, E189G.
Identifiers: ClinVar variation 1368440 (VCV001368440.6), dbSNP rs2136814138, ClinGen allele CA383545638.
Genomic context (GRCh38, chr12:6,329,810, plus strand): 5'-CTCGTCTCCAGCCGCGGGAGAAACTCACTGTCTAGGCTCTGTGGCTTGTGGGCGCTGTCC[T>C]CCCACTTCTGAAGGGGGTTGGGGATGGGGTCGGAGGCGAGGGCTGTCGCAAGGATGGGGT-3'
Protein context (NP_001056.1, residues 332-352): DPIPNPLQKW[Glu342Gly]DSAHKPQSLD

ClinVar aggregate classification (germline): Uncertain significance (1 of 4 stars; one submission).

Conditions:
TNF receptor-associated periodic fever syndrome (TRAPS) (FPF). Also called: Autosomal Dominant Familial Periodic Fever; TNF Receptor-Associated Periodic Fever Syndrome; FAMILIAL HIBERNIAN FEVER; TNF RECEPTOR-ASSOCIATED PERIODIC SYNDROME; TUMOR NECROSIS FACTOR RECEPTOR-ASSOCIATED PERIODIC SYNDROME; TNF receptor 1-associated periodic fever syndrome. Identifiers: Orphanet 32960, MedGen C1275126, MONDO:0007727, OMIM 142680.

Submission:

Labcorp Genetics (formerly Invitae), Labcorp
Classification: Uncertain significance for TNF receptor-associated periodic fever syndrome (TRAPS). Last evaluated: 2021-12-03. Review status: criteria provided, single submitter. Criteria: Invitae Variant Classification Sherloc (09022015). Collection method: clinical testing. Allele origin: germline.
Comment: This sequence change replaces glutamic acid, which is acidic and polar, with glycine, which is neutral and non-polar, at codon 342 of the TNFRSF1A protein (p.Glu342Gly). This variant is not present in population databases (gnomAD no frequency). This variant has not been reported in the literature in individuals affected with TNFRSF1A-related conditions. Advanced modeling of protein sequence and biophysical properties (such as structural, functional, and spatial information, amino acid conservation, physicochemical variation, residue mobility, and thermodynamic stability) performed at Invitae indicates that this missense variant is not expected to disrupt TNFRSF1A protein function. In summary, the available evidence is currently insufficient to determine the role of this variant in disease. Therefore, it has been classified as a Variant of Uncertain Significance.